The following is an entry in ClinVar:

ClinVar aggregate classification (germline): Uncertain significance (1 of 4 stars; one submission).

Conditions:
Nephrolithiasis/nephrocalcinosis. Identifiers: MedGen CN580796.

Submission:

Ambry Genetics
Classification: Uncertain significance for Nephrolithiasis/nephrocalcinosis. Last evaluated: 2023-09-18. Review status: criteria provided, single submitter. Criteria: Ambry Variant Classification Scheme 2023. Collection method: clinical testing. Allele origin: germline.
Comment: The p.E602Q variant (also known as c.1804G>C), located in coding exon 6 of the CASR gene, results from a G to C substitution at nucleotide position 1804. The glutamic acid at codon 602 is replaced by glutamine, an amino acid with highly similar properties. This amino acid position is conserved. In addition, this alteration is predicted to be tolerated by in silico analysis. Since supporting evidence is limited at this time, the clinical significance of this alteration remains unclear.

NM_000388.4(CASR):c.1804G>C (p.Glu602Gln)

Gene: CASR (calcium sensing receptor; plus strand). Cytogenetic location: 3q21.1.
Variant type: single nucleotide variant.
Coding change: c.1804G>C on transcript NM_000388.4 (MANE Select); coding-DNA position 1804, G replaced by C.
Protein change: p.Glu602Gln; replaces glutamic acid 602 with glutamine.
Molecular consequence: missense variant.
Genome position (GRCh38, 1-based): chr3:122,283,758, G>C. VCF-style: chr3-122283758-G-C. GRCh37 (hg19) VCF-style: chr3-122002605-G-C.
Other names: c.1834G>C, p.Glu612Gln (NM_001178065.2); short protein forms E602Q, E612Q.
Identifiers: ClinVar variation 3231511 (VCV003231511.1), dbSNP rs2473276317, ClinGen allele CA354157427.